The following is an entry in ClinVar:

NM_000875.5(IGF1R):c.1099G>T (p.Gly367Trp)

Genes: IGF1R (insulin like growth factor 1 receptor; plus strand), LOC126862245 (P300/CBP strongly-dependent group 1 enhancer GRCh37_chr15:99439536-99440735; plus strand). Cytogenetic location: 15q26.3.
Variant type: single nucleotide variant.
Coding change: c.1099G>T on transcript NM_000875.5 (MANE Select); coding-DNA position 1099, G replaced by T.
Protein change: p.Gly367Trp; replaces glycine 367 with tryptophan.
Molecular consequence: missense variant.
Genome position (GRCh38, 1-based): chr15:98,896,902, G>T. VCF-style: chr15-98896902-G-T. GRCh37 (hg19) VCF-style: chr15-99440131-G-T.
Other names: c.1099G>T, p.Gly367Trp (NM_001291858.2); short protein forms G367W.
Identifiers: ClinVar variation 2867060 (VCV002867060.3), dbSNP rs2151652766, ClinGen allele CA393671589.

ClinVar aggregate classification (germline): Uncertain significance (1 of 4 stars; one submission).

Submission:

Labcorp Genetics (formerly Invitae), Labcorp
Classification: Uncertain significance. Last evaluated: 2023-05-22. Review status: criteria provided, single submitter. Criteria: Invitae Variant Classification Sherloc (09022015). Collection method: clinical testing. Allele origin: germline.
Comment: This sequence change replaces glycine, which is neutral and non-polar, with tryptophan, which is neutral and slightly polar, at codon 367 of the IGF1R protein (p.Gly367Trp). This variant is not present in population databases (gnomAD no frequency). This variant has not been reported in the literature in individuals affected with IGF1R-related conditions. Advanced modeling of protein sequence and biophysical properties (such as structural, functional, and spatial information, amino acid conservation, physicochemical variation, residue mobility, and thermodynamic stability) performed at Invitae indicates that this missense variant is expected to disrupt IGF1R protein function. In summary, the available evidence is currently insufficient to determine the role of this variant in disease. Therefore, it has been classified as a Variant of Uncertain Significance.